The following is an entry in ClinVar:

NM_001040108.2(MLH3):c.2624C>G (p.Ser875Cys)

Gene: MLH3 (mutL homolog 3; minus strand). Cytogenetic location: 14q24.3.
Variant type: single nucleotide variant.
Coding change: c.2624C>G on transcript NM_001040108.2 (MANE Select); coding-DNA position 2624, C replaced by G.
Protein change: p.Ser875Cys; replaces serine 875 with cysteine.
Molecular consequence: missense variant.
Genome position (GRCh38, 1-based): chr14:75,047,032, G>C on the plus strand (C>G on the coding strand, the complement: MLH3 is on the minus strand). VCF-style: chr14-75047032-G-C. GRCh37 (hg19) VCF-style: chr14-75513735-G-C.
Other names: c.2624C>G, p.Ser875Cys (NM_014381.3); short protein forms S875C.
Identifiers: ClinVar variation 1397789 (VCV001397789.11), dbSNP rs760079290, ClinGen allele CA7275670.

ClinVar aggregate classification (germline): Uncertain significance. Review status: criteria provided, multiple submitters, no conflicts (2 of 4 stars). 3 submissions from 3 submitters: Uncertain significance (3). Last evaluated 2025-10-22.

Conditions:
Colorectal cancer. Also called: Malignant Colorectal Neoplasm; Colorectal cancer, somatic. Identifiers: MedGen C0346629, MONDO:0005575, OMIM 114500.
Colorectal cancer, hereditary nonpolyposis, type 7. Identifiers: Orphanet 144, MedGen C1858380, MONDO:0013725, OMIM 614385.
Endometrial carcinoma. Also called: Endometrial carcinoma, somatic. Identifiers: MedGen C0476089, MONDO:0002447, OMIM 608089, HP:0012114.

Allele frequency attached by ClinVar (database versions not stated): gnomAD 0.00001; TOPMed 0.00002.
gnomAD v4.1: 27 of 1,614,046 alleles (0.0017%); highest among the groups gnomAD compares: Admixed American, 0.03%; no homozygotes.

Submissions (3):

Ambry Genetics
Classification: Uncertain significance. Last evaluated: 2025-10-22. Review status: criteria provided, single submitter. Criteria: Ambry Variant Classification Scheme 2023. Collection method: clinical testing. Allele origin: germline.
Comment: The p.S875C variant (also known as c.2624C>G), located in coding exon 1 of the MLH3 gene, results from a C to G substitution at nucleotide position 2624. The serine at codon 875 is replaced by cysteine, an amino acid with dissimilar properties. This amino acid position is conserved. In addition, the in silico prediction for this alteration is inconclusive. Since supporting evidence is limited at this time, the clinical significance of this alteration remains unclear.

Fulgent Genetics
Classification: Uncertain significance for Colorectal cancer; Endometrial carcinoma; Colorectal cancer, hereditary nonpolyposis, type 7. Last evaluated: 2024-02-17. Review status: criteria provided, single submitter. Criteria: ACMG Guidelines, 2015. Collection method: clinical testing. Allele origin: germline.

Labcorp Genetics (formerly Invitae), Labcorp
Classification: Uncertain significance for Colorectal cancer, hereditary nonpolyposis, type 7. Last evaluated: 2023-03-27. Review status: criteria provided, single submitter. Criteria: Invitae Variant Classification Sherloc (09022015). Collection method: clinical testing. Allele origin: germline.
Comment: In summary, the available evidence is currently insufficient to determine the role of this variant in disease. Therefore, it has been classified as a Variant of Uncertain Significance. An algorithm developed to predict the effect of missense changes on protein structure and function (PolyPhen-2) suggests that this variant is likely to be disruptive. ClinVar contains an entry for this variant (Variation ID: 1397789). This variant has not been reported in the literature in individuals affected with MLH3-related conditions. This variant is present in population databases (rs760079290, gnomAD 0.04%), and has an allele count higher than expected for a pathogenic variant. This sequence change replaces serine, which is neutral and polar, with cysteine, which is neutral and slightly polar, at codon 875 of the MLH3 protein (p.Ser875Cys).